The following is an entry in ClinVar:

ClinVar aggregate classification (germline): Uncertain significance (1 of 4 stars; one submission).

Submission:

GeneDx
Classification: Uncertain significance. Last evaluated: 2026-04-16. Review status: criteria provided, single submitter. Criteria: GeneDx Variant Classification Process June 2021. Collection method: clinical testing. Allele origin: germline.
Comment: Not observed at significant frequency in large population cohorts (gnomAD); In silico analysis supports that this missense variant has a deleterious effect on protein structure/function; Has not been previously published as pathogenic or benign to our knowledge

NM_001321075.3(DLG4):c.1145C>T (p.Ala382Val)

Genes: DLG4 (discs large MAGUK scaffold protein 4; minus strand), LOC126862479 (MED14-independent group 3 enhancer GRCh37_chr17:7099412-7100611; plus strand). Cytogenetic location: 17p13.1.
Variant type: single nucleotide variant.
Coding change: c.1145C>T on transcript NM_001321075.3 (MANE Select); coding-DNA position 1145, C replaced by T.
Protein change: p.Ala382Val; replaces alanine 382 with valine.
Molecular consequence: missense variant. On other transcripts: non-coding transcript variant (1).
Genome position (GRCh38, 1-based): chr17:7,196,514, G>A on the plus strand (C>T on the coding strand, the complement: DLG4 is on the minus strand). VCF-style: chr17-7196514-G-A. GRCh37 (hg19) VCF-style: chr17-7099833-G-A.
Other names: c.1136C>T, p.Ala379Val (NM_001128827.4); c.1265C>T, p.Ala422Val (NM_001321074.1); c.965C>T, p.Ala322Val (NM_001321076.3, NM_001321077.3); c.1274C>T, p.Ala425Val (NM_001365.5); c.1064C>T, p.Ala355Val (NM_001369566.3); short protein forms A322V, A355V, A379V, A382V, A422V, A425V.
Identifiers: ClinVar variation 5037322 (VCV005037322.1).